The following is an entry in ClinVar:

ClinVar aggregate classification (germline): Conflicting classifications of pathogenicity. Review status: criteria provided, conflicting classifications (1 of 4 stars). 3 submissions from 3 submitters: Uncertain significance (2); Likely benign (1). Last evaluated 2026-08-01.

Conditions:
Angelman syndrome-like. Identifiers: MedGen CN128785.
Developmental and epileptic encephalopathy, 2 (DEE2). Also called: CDKL5 deficiency disorder; INFANTILE SPASM SYNDROME, X-LINKED 2. Identifiers: Orphanet 1934, Orphanet 3451, Orphanet 505652, MedGen C4750718, MONDO:0010396, OMIM 300672.

Allele frequency attached by ClinVar (database versions not stated): gnomAD exomes 0.00001.
gnomAD v4.1: 7 of 1,211,874 alleles (0.00058%); highest among the groups gnomAD compares: East Asian, 0.0089%; no homozygotes.

Submissions (3):

CeGaT Center for Human Genetics Tuebingen
Classification: Likely benign. Last evaluated: 2026-08-01. Review status: criteria provided, single submitter. Criteria: CeGaT Center For Human Genetics Tuebingen Variant Classification Criteria Version 2. Collection method: clinical testing. Allele origin: germline. Affected: yes. Observed: 1 variant allele.
Comment: CDKL5: BP4

Labcorp Genetics (formerly Invitae), Labcorp
Classification: Uncertain significance for Developmental and epileptic encephalopathy, 2; Angelman syndrome-like. Last evaluated: 2024-03-04. Review status: criteria provided, single submitter. Criteria: Invitae Variant Classification Sherloc (09022015). Collection method: clinical testing. Allele origin: germline.
Comment: This sequence change replaces arginine, which is basic and polar, with cysteine, which is neutral and slightly polar, at codon 956 of the CDKL5 protein (p.Arg956Cys). This variant is present in population databases (no rsID available, gnomAD 0.004%). This variant has not been reported in the literature in individuals affected with CDKL5-related conditions. ClinVar contains an entry for this variant (Variation ID: 585659). Advanced modeling of protein sequence and biophysical properties (such as structural, functional, and spatial information, amino acid conservation, physicochemical variation, residue mobility, and thermodynamic stability) performed at Invitae indicates that this missense variant is not expected to disrupt CDKL5 protein function with a negative predictive value of 95%. In summary, the available evidence is currently insufficient to determine the role of this variant in disease. Therefore, it has been classified as a Variant of Uncertain Significance.

Athena Diagnostics
Classification: Uncertain significance. Last evaluated: 2017-11-15. Review status: criteria provided, single submitter. Criteria: Athena Diagnostics Criteria. Collection method: clinical testing. Allele origin: germline.

NM_003159.3(CDKL5):c.2866C>T (p.Arg956Cys)

Genes: CDKL5 (cyclin dependent kinase like 5; plus strand), RS1 (retinoschisin 1; minus strand). Cytogenetic location: Xp22.13.
Variant type: single nucleotide variant.
Coding change: c.2866C>T on transcript NM_003159.3; coding-DNA position 2866, C replaced by T.
Protein change: p.Arg956Cys; replaces arginine 956 with cysteine.
Molecular consequence: missense variant. On other transcripts: intron variant (1).
Genome position (GRCh38, 1-based): chrX:18,650,478, C>T. VCF-style: chrX-18650478-C-T. GRCh37 (hg19) VCF-style: chrX-18668598-C-T.
Other names: c.2866C>T, p.Arg956Cys (NM_001037343.2); c.185-3146G>A (NM_000330.4); short protein forms R956C.
Identifiers: ClinVar variation 585659 (VCV000585659.7), dbSNP rs1398393336, ClinGen allele CA412373363.